The following is an entry in ClinVar:

NM_000186.4(CFH):c.1107G>A (p.Trp369Ter)

Gene: CFH (complement factor H; plus strand). Cytogenetic location: 1q31.3.
Variant type: single nucleotide variant.
Coding change: c.1107G>A on transcript NM_000186.4 (MANE Select); coding-DNA position 1107, G replaced by A.
Protein change: p.Trp369Ter; replaces tryptophan 369 with a stop codon.
Molecular consequence: nonsense.
Genome position (GRCh38, 1-based): chr1:196,689,562, G>A. VCF-style: chr1-196689562-G-A. GRCh37 (hg19) VCF-style: chr1-196658692-G-A.
Other names: c.1107G>A, p.Trp369Ter (NM_001014975.3); short protein forms W369*.
Identifiers: ClinVar variation 4291654 (VCV004291654.1).

ClinVar aggregate classification (germline): Pathogenic, low penetrance (1 of 4 stars; one submission).

Conditions:
Atypical hemolytic-uremic syndrome. Identifiers: Orphanet 2134, MedGen C2931788, MONDO:0016244.

gnomAD v4.1: 1 of 1,613,400 alleles (0.000062%); highest among the groups gnomAD compares: Non-Finnish European, 0.000085%; no homozygotes.

Submission:

Genomenon, Inc
Classification: Pathogenic, low penetrance for Atypical hemolytic-uremic syndrome. Last evaluated: 2025-10-02. Review status: criteria provided, single submitter. Criteria: Genomenon Sequence Variant Interpretation Standards - Updated. Collection method: curation. Allele origin: germline. Affected: yes.
Comment: CFH p.Trp369Ter (c.1107G>A) is a nonsense variant that introduces a premature stop codon at amino acid position 369, creating a truncated protein that is predicted to undergo nonsense-mediated mRNA decay. This variant has been observed in at least one proband affected with atypical hemolytic-uremic syndrome (PMID:22420623). It is absent or not present at a significant frequency in gnomAD. In conclusion, we classify CFH p.Trp369Ter (c.1106G>A) as a pathogenic, low penetrance variant.

Literature cited by the submitters: PubMed 22420623.